The following is an entry in ClinVar:

NM_000553.6(WRN):c.1965A>T (p.Gln655His)

Gene: WRN (WRN RecQ like helicase; plus strand). Cytogenetic location: 8p12.
Variant type: single nucleotide variant.
Coding change: c.1965A>T on transcript NM_000553.6 (MANE Select); coding-DNA position 1965, A replaced by T.
Protein change: p.Gln655His; replaces glutamine 655 with histidine.
Molecular consequence: missense variant.
Genome position (GRCh38, 1-based): chr8:31,096,834, A>T. VCF-style: chr8-31096834-A-T. GRCh37 (hg19) VCF-style: chr8-30954350-A-T.
Other names: short protein forms Q655H.
Identifiers: ClinVar variation 1475655 (VCV001475655.6), dbSNP rs1481338220, ClinGen allele CA370929868.
Genomic context (GRCh38, chr8:31,096,834, plus strand): 5'-ATACCGGATTGTATACGTAACTCCAGAATACTGTTCAGGTAACATGGGCCTGCTCCAGCA[A>T]CTTGAGGCTGATATTGGTAAGTGATAAAGAAAGATCTCTGTAAATACTTACTGAGTTAAT-3'
Protein context (NP_000544.2, residues 645-665): YCSGNMGLLQ[Gln655His]LEADIGITLI

ClinVar aggregate classification (germline): Uncertain significance (1 of 4 stars; one submission).

Conditions:
Werner syndrome (WRN). Identifiers: Orphanet 902, MedGen C0043119, MONDO:0010196, OMIM 277700.

Allele frequency attached by ClinVar (database versions not stated): gnomAD exomes below 0.00001.
gnomAD v4.1: 3 of 1,613,472 alleles (0.00019%); highest among the groups gnomAD compares: South Asian, 0.0033%; no homozygotes.

Submission:

Labcorp Genetics (formerly Invitae), Labcorp
Classification: Uncertain significance for Werner syndrome. Last evaluated: 2021-09-26. Review status: criteria provided, single submitter. Criteria: Invitae Variant Classification Sherloc (09022015). Collection method: clinical testing. Allele origin: germline.
Comment: In summary, the available evidence is currently insufficient to determine the role of this variant in disease. Therefore, it has been classified as a Variant of Uncertain Significance. Algorithms developed to predict the effect of missense changes on protein structure and function output the following: SIFT: "Not Available"; PolyPhen-2: "Benign"; Align-GVGD: "Not Available". The histidine amino acid residue is found in multiple mammalian species, which suggests that this missense change does not adversely affect protein function. This variant has not been reported in the literature in individuals affected with WRN-related conditions. This variant is not present in population databases (ExAC no frequency). This sequence change replaces glutamine with histidine at codon 655 of the WRN protein (p.Gln655His). The glutamine residue is moderately conserved and there is a small physicochemical difference between glutamine and histidine.